The following is an entry in ClinVar:

ClinVar aggregate classification (germline): Uncertain significance. Review status: criteria provided, multiple submitters, no conflicts (2 of 4 stars). 3 submissions from 3 submitters: Uncertain significance (2). 1 of the submissions does not count toward it. Last evaluated 2024-10-21.

Conditions:
Myasthenic syndrome, congenital, 24, presynaptic. Identifiers: MedGen C4748684, MONDO:0032597, OMIM 618198.

Allele frequency attached by ClinVar (database versions not stated): 1000 Genomes Project 30x 0.00016; 1000 Genomes Project 0.00020; TOPMed 0.00073; ESP Exome Variant Server 0.00077.
gnomAD v4.1: 1,828 of 1,614,100 alleles (0.11%); highest among the groups gnomAD compares: Non-Finnish European, 0.13%; 3 homozygotes.

Submissions (3):

Blueprint Genetics
Classification: Uncertain significance. Last evaluated: 2024-10-21. Review status: criteria provided, single submitter. Criteria: ACMG Guidelines, 2015. Collection method: clinical testing. Allele origin: germline.

Women's Health and Genetics/Laboratory Corporation of America, LabCorp
Classification: Uncertain significance. Last evaluated: 2024-05-28. Review status: criteria provided, single submitter. Criteria: LabCorp Variant Classification Summary - May 2015. Collection method: clinical testing. Allele origin: germline.
Comment: Variant summary: MYO9A c.4550G>A (p.Arg1517His) results in a non-conservative amino acid change in the encoded protein sequence. Five of five in-silico tools predict a damaging effect of the variant on protein function. The observed variant frequency within Non-Finnish European control individuals in the gnomAD database exceeds the estimated maximal expected allele frequency for a pathogenic variant in MYO9A causing Myasthenic Syndrome, Congenital, 24, Presynaptic phenotype, suggesting the variant could be benign. c.4550G>A has been reported in the literature in a setting of whole exome sequencing in at least one compound heterozygous individual affected with Myasthenic Syndrome, Congenital, 24, Presynaptic with conflicting evidence for pathogenicity (e.g. O'Connor_2016). These data do not allow any conclusion about variant significance. To our knowledge, no experimental evidence demonstrating an impact on protein function has been reported. ClinVar contains an entry for this variant (Variation ID: 590980). The following publications have been ascertained in the context of this evaluation (PMID: 30237576, 27259756). Based on the evidence outlined above, the variant was classified as VUS-possibly benign.

OMIM
Classification: Pathogenic for MYASTHENIC SYNDROME, CONGENITAL, 24. Last evaluated: 2018-11-29. Review status: no assertion criteria provided. Collection method: literature only. Allele origin: germline. Not counted in ClinVar's aggregate classification.

Literature cited by the submitters: PubMed 30237576 (cited by Women's Health and Genetics/Laboratory Corporation of America, LabCorp); PubMed 27259756 (cited by Women's Health and Genetics/Laboratory Corporation of America, LabCorp and OMIM).

NM_006901.4(MYO9A):c.4550G>A (p.Arg1517His)

Gene: MYO9A (myosin IXA; minus strand). Cytogenetic location: 15q23.
Variant type: single nucleotide variant.
Coding change: c.4550G>A on transcript NM_006901.4 (MANE Select); coding-DNA position 4550, G replaced by A.
Protein change: p.Arg1517His; replaces arginine 1517 with histidine.
Molecular consequence: missense variant.
Genome position (GRCh38, 1-based): chr15:71,897,953, C>T on the plus strand (G>A on the coding strand, the complement: MYO9A is on the minus strand). VCF-style: chr15-71897953-C-T. GRCh37 (hg19) VCF-style: chr15-72190294-C-T.
Other names: MYO9A, ARG1517HIS (rs149046541); c.4550G>A (NM_006901.3); short protein forms R1517H.
Identifiers: ClinVar variation 590980 (VCV000590980.5), dbSNP rs149046541, ClinGen allele CA7641386.